The following is an entry in ClinVar:

ClinVar aggregate classification (germline): Conflicting classifications of pathogenicity. Review status: criteria provided, conflicting classifications (1 of 4 stars). 4 submissions from 4 submitters: Pathogenic (1); Likely pathogenic (2); Uncertain significance (1). Last evaluated 2026-03-26.

Conditions:
CD36-related disorder. Also called: CD36-related condition; CD36-related disorders.
Platelet-type bleeding disorder 10. Also called: CD36 DEFICIENCY. Identifiers: MedGen C1842090, MONDO:0012031, OMIM 608404.

Allele frequency attached by ClinVar (database versions not stated): gnomAD 0.00008 and 0.00009; gnomAD exomes 0.00009 and 0.00014; TOPMed 0.00012; ESP Exome Variant Server 0.00016; ExAC 0.00021.

Submissions (4):

PreventionGenetics, part of Exact Sciences
Classification: Likely pathogenic for CD36-related condition. Last evaluated: 2026-03-26. Review status: criteria provided, single submitter. Criteria: ACMG Guidelines, 2015. Collection method: clinical testing. Allele origin: germline.
Comment: The CD36 c.1202_1205delTATT variant is predicted to result in a frameshift and premature protein termination (p.Val401Glufs*4). This variant was reported in the heterozygous state in a whole-exome sequencing study of searching for rare variants associated with hypoalphalipoproteinemia (Supplemental Table S3, Dong et al. 2022. PubMed ID: 35460704). This variant was also presented in a conference poster to provide evidence for rare CD36 loss-of-function coding variants contributing to impaired fatty acid metabolism, glucose intolerance, type 2 diabetes and arterial hypertension. This variant is reported in 0.033% of alleles in individuals of South Asian descent in gnomAD. Frameshift variants in CD36 are expected to be pathogenic. This variant is interpreted as likely pathogenic for autosomal recessive CD36 deficiency.

Revvity Omics, Revvity
Classification: Likely pathogenic for Platelet-type bleeding disorder 10. Last evaluated: 2024-08-22. Review status: criteria provided, single submitter. Criteria: ACMG Guidelines, 2015. Collection method: clinical testing. Allele origin: germline.

Institute for Clinical Genetics, University Hospital TU Dresden, University Hospital TU Dresden
Classification: Pathogenic. Last evaluated: 2021-11-03. Review status: criteria provided, single submitter. Criteria: ACMG Guidelines, 2015. Collection method: clinical testing. Allele origin: germline.

GeneDx
Classification: Uncertain significance. Last evaluated: 2019-06-07. Review status: criteria provided, single submitter. Criteria: GeneDx Variant Classification Process June 2021. Collection method: clinical testing. Allele origin: germline. Affected: yes.
Comment: Frameshift variant in the C-terminus predicted to result in protein truncation, as the last 72 amino acids are lost and replaced with 3 incorrect amino acids; Has not been previously published as pathogenic or benign to our knowledge

NM_001001548.3(CD36):c.1202_1205del (p.Val401fs)

Gene: CD36 (CD36 molecule (CD36 blood group); plus strand). Cytogenetic location: 7q21.11.
Variant type: Deletion.
Coding change: c.1202_1205del on transcript NM_001001548.3 (MANE Select); coding-DNA positions 1202 to 1205, 4 bases deleted (TATT; older notation c.1202_1205delTATT).
Protein change: p.Val401fs; shifts the reading frame from valine 401.
Molecular consequence: frameshift variant. On other transcripts: non-coding transcript variant (1).
Genome position (GRCh38, 1-based): chr7:80,673,357-80,673,360, TATT deleted. VCF-style (leftmost placement, unchanged base first): chr7-80673356-GTATT-G. GRCh37 (hg19) VCF-style: chr7-80302672-GTATT-G.
Other names: c.1202_1205del, p.Val401fs (NM_000072.3, NM_001001547.3, NM_001127443.2 and 5 more transcripts); c.737_740del, p.Val246fs (NM_001371081.1, NM_001371080.1); c.1085_1088del, p.Val362fs (NM_001289908.1); c.1022_1025del, p.Val341fs (NM_001289909.1); c.974_977del, p.Val325fs (NM_001289911.2); c.1100_1103del, p.Val367fs (NM_001371079.1); short protein forms V246fs, V401fs, V325fs, V362fs, V341fs, V367fs.
Identifiers: ClinVar variation 1306192 (VCV001306192.6), dbSNP rs769354931, ClinGen allele CA4315725.
Genomic context (GRCh38, chr7:80,673,356, plus strand): 5'-GTTTGTTATATATAAATATTAGTTTATATGTTCATAATTATTTTCAACGTATATTACAGA[GTATT>G]AAAGAATCTGAAGAGGAACTATATTGTGCCTATTCTTTGGCTTAATGAGGTTTGTATTTG-3'